The following is an entry in ClinVar:

NM_016038.4(SBDS):c.183T>C (p.Ser61=)

Gene: SBDS (SBDS ribosome maturation factor; minus strand). Cytogenetic location: 7q11.21.
Variant type: single nucleotide variant.
Coding change: c.183T>C on transcript NM_016038.4 (MANE Select); coding-DNA position 183, T replaced by C.
Protein change: p.Ser61=; no amino-acid change (serine 61 retained).
Molecular consequence: synonymous variant.
Genome position (GRCh38, 1-based): chr7:66,994,287, A>G on the plus strand (T>C on the coding strand, the complement: SBDS is on the minus strand). VCF-style: chr7-66994287-A-G. GRCh37 (hg19) VCF-style: chr7-66459274-A-G.
Identifiers: ClinVar variation 1267216 (VCV001267216.31), dbSNP rs200346194, ClinGen allele CA4279223.

ClinVar aggregate classification (germline): Benign/Likely benign. Review status: criteria provided, multiple submitters, no conflicts (2 of 4 stars). 6 submissions from 6 submitters: Benign (2); Likely benign (4). Last evaluated 2026-01-01.

Conditions:
Inborn genetic diseases. Identifiers: MedGen C0950123, MeSH D030342.

Allele frequency attached by ClinVar (database versions not stated): gnomAD exomes 0.00016 and 0.00048; ExAC 0.00041; 1000 Genomes Project 0.00060; gnomAD 0.00098 and 0.00104; 1000 Genomes Project 30x 0.00187.
gnomAD v4.1: 859 of 1,613,162 alleles (0.053%); highest among the groups gnomAD compares: Admixed American, 0.12%; no homozygotes.

Submissions (6):

CeGaT Center for Human Genetics Tuebingen
Classification: Likely benign. Last evaluated: 2026-01-01. Review status: criteria provided, single submitter. Criteria: CeGaT Center For Human Genetics Tuebingen Variant Classification Criteria Version 2. Collection method: clinical testing. Allele origin: germline. Affected: yes. Observed: 4 variant alleles.
Comment: SBDS: BP4, BP7

Laboratory of Genetics, Children's Clinical University Hospital Latvia
Classification: Likely benign. Last evaluated: 2025-02-16. Review status: criteria provided, single submitter. Criteria: ACMG Guidelines, 2015. Collection method: clinical testing. Allele origin: germline. Affected: yes.

Women's Health and Genetics/Laboratory Corporation of America, LabCorp
Classification: Likely benign. Last evaluated: 2024-08-22. Review status: criteria provided, single submitter. Criteria: LabCorp Variant Classification Summary - May 2015. Collection method: clinical testing. Allele origin: germline.

Ambry Genetics
Classification: Likely benign for Inborn genetic diseases. Last evaluated: 2022-07-11. Review status: criteria provided, single submitter. Criteria: Ambry Variant Classification Scheme 2023. Collection method: clinical testing. Allele origin: germline.

GeneDx
Classification: Benign. Last evaluated: 2015-03-03. Review status: criteria provided, single submitter. Criteria: GeneDx Variant Classification Process June 2021. Collection method: clinical testing. Allele origin: germline. Affected: yes.

Breakthrough Genomics
Classification: Benign. Review status: criteria provided, single submitter. Criteria: ACMG Guidelines, 2015. Collection method: not provided. Allele origin: germline. Inheritance: Autosomal recessive inheritance. Affected: yes.